The following is an entry in ClinVar:

NM_001037.5(SCN1B):c.125C>A (p.Ser42Tyr)

Gene: SCN1B (sodium voltage-gated channel beta subunit 1; plus strand). Cytogenetic location: 19q13.11.
Variant type: single nucleotide variant.
Coding change: c.125C>A on transcript NM_001037.5 (MANE Select); coding-DNA position 125, C replaced by A.
Protein change: p.Ser42Tyr; replaces serine 42 with tyrosine.
Molecular consequence: missense variant.
Genome position (GRCh38, 1-based): chr19:35,032,612, C>A. VCF-style: chr19-35032612-C-A. GRCh37 (hg19) VCF-style: chr19-35523516-C-A.
Other names: c.26C>A, p.Ser9Tyr (NM_001321605.2); c.125C>A, p.Ser42Tyr (NM_199037.5); short protein forms S9Y, S42Y.
Identifiers: ClinVar variation 3666312 (VCV003666312.2).

ClinVar aggregate classification (germline): Uncertain significance (1 of 4 stars; one submission).

Conditions:
Brugada syndrome 5 (BRGDA5). Identifiers: Orphanet 130, Orphanet 871, MedGen C2748541, MONDO:0013015, OMIM 612838.

Submission:

Labcorp Genetics (formerly Invitae), Labcorp
Classification: Uncertain significance for Brugada syndrome 5. Last evaluated: 2024-07-31. Review status: criteria provided, single submitter. Criteria: Invitae Variant Classification Sherloc (09022015). Collection method: clinical testing. Allele origin: germline.
Comment: This sequence change replaces serine, which is neutral and polar, with tyrosine, which is neutral and polar, at codon 42 of the SCN1B protein (p.Ser42Tyr). This variant is not present in population databases (gnomAD no frequency). This variant has not been reported in the literature in individuals affected with SCN1B-related conditions. An algorithm developed to predict the effect of missense changes on protein structure and function (PolyPhen-2) suggests that this variant is likely to be disruptive. In summary, the available evidence is currently insufficient to determine the role of this variant in disease. Therefore, it has been classified as a Variant of Uncertain Significance.